The following is an entry in ClinVar:

NM_001105247.2(ARMC5):c.2172C>T (p.Val724=)

Gene: ARMC5 (armadillo repeat containing 5; plus strand). Cytogenetic location: 16p11.2.
Variant type: single nucleotide variant.
Coding change: c.2172C>T on transcript NM_001105247.2 (MANE Select); coding-DNA position 2172, C replaced by T.
Protein change: p.Val724=; no amino-acid change (valine 724 retained).
Molecular consequence: synonymous variant. On other transcripts: 3 prime UTR variant (1).
Genome position (GRCh38, 1-based): chr16:31,466,253, C>T. VCF-style: chr16-31466253-C-T. GRCh37 (hg19) VCF-style: chr16-31477574-C-T.
Other names: c.2457C>T, p.Val819= (NM_001288767.2); c.2268C>T, p.Val756= (NM_001301820.1); c.*1052C>T (NM_024742.2).
Identifiers: ClinVar variation 3048976 (VCV003048976.2), dbSNP rs759575674, ClinGen allele CA8029982.

ClinVar aggregate classification (germline): Likely benign (0 of 4 stars; one submission).

Conditions:
ARMC5-related disorder. Also called: ARMC5-related condition.

Allele frequency attached by ClinVar (database versions not stated): ExAC 0.00001; gnomAD 0.00008.

Submission:

PreventionGenetics, part of Exact Sciences
Classification: Likely benign for ARMC5-related condition. Last evaluated: 2022-05-24. Review status: no assertion criteria provided. Collection method: clinical testing. Allele origin: germline.
Comment: This variant is classified as likely benign based on ACMG/AMP sequence variant interpretation guidelines (Richards et al. 2015 PMID: 25741868, with internal and published modifications).